The following is an entry in ClinVar:

ClinVar aggregate classification (germline): Uncertain significance (1 of 4 stars; one submission).

Conditions:
CNTNAP5-related disorder. Also called: CNTNAP5-related condition.

Submission:

PreventionGenetics, part of Exact Sciences
Classification: Uncertain significance for CNTNAP5-related condition. Last evaluated: 2022-09-06. Review status: criteria provided, single submitter. Criteria: ACMG Guidelines, 2015. Collection method: clinical testing. Allele origin: germline.
Comment: The CNTNAP5 c.3639G>A variant is not predicted to result in an amino acid change (p.=). To our knowledge, this variant has not been reported in the literature or in a large population database, indicating this variant is rare. At this time, the clinical significance of this variant is uncertain due to the absence of conclusive functional and genetic evidence.

NM_001367498.1(CNTNAP5):c.3642G>A (p.Val1214=)

Gene: CNTNAP5 (contactin associated protein family member 5; plus strand). Cytogenetic location: 2q14.3.
Variant type: single nucleotide variant.
Coding change: c.3642G>A on transcript NM_001367498.1 (MANE Select); coding-DNA position 3642, G replaced by A.
Protein change: p.Val1214=; no amino-acid change (valine 1214 retained).
Molecular consequence: synonymous variant.
Genome position (GRCh38, 1-based): chr2:124,903,087, G>A. VCF-style: chr2-124903087-G-A. GRCh37 (hg19) VCF-style: chr2-125660664-G-A.
Other names: c.3639G>A, p.Val1213= (NM_130773.4).
Identifiers: ClinVar variation 2636919 (VCV002636919.1), dbSNP rs932717603, ClinGen allele CA55745849.